The following is an entry in ClinVar:

NM_022089.4(ATP13A2):c.361C>T (p.Pro121Ser)

Gene: ATP13A2 (ATPase cation transporting 13A2; minus strand). Cytogenetic location: 1p36.13.
Variant type: single nucleotide variant.
Coding change: c.361C>T on transcript NM_022089.4 (MANE Select); coding-DNA position 361, C replaced by T.
Protein change: p.Pro121Ser; replaces proline 121 with serine.
Molecular consequence: missense variant.
Genome position (GRCh38, 1-based): chr1:17,004,808, G>A on the plus strand (C>T on the coding strand, the complement: ATP13A2 is on the minus strand). VCF-style: chr1-17004808-G-A. GRCh37 (hg19) VCF-style: chr1-17331303-G-A.
Other names: c.361C>T, p.Pro121Ser (NM_001141973.3, NM_001141974.3); short protein forms P121S.
Identifiers: ClinVar variation 1375825 (VCV001375825.8), dbSNP rs1421953227, ClinGen allele CA338263566.

ClinVar aggregate classification (germline): Uncertain significance (1 of 4 stars; one submission).

Conditions:
Autosomal recessive spastic paraplegia type 78. Identifiers: Orphanet 513436, MedGen C5567893, MONDO:0014975, OMIM 617225.
Kufor-Rakeb syndrome (KRS). Also called: PARKINSON DISEASE 9, AUTOSOMAL RECESSIVE, JUVENILE-ONSET. Identifiers: Orphanet 306674, Orphanet 314632, MedGen C1847640, MONDO:0011706, OMIM 606693.

Allele frequency attached by ClinVar (database versions not stated): gnomAD exomes below 0.00001.
gnomAD v4.1: 3 of 1,613,946 alleles (0.00019%); highest among the groups gnomAD compares: Non-Finnish European, 0.00025%; no homozygotes.

Submission:

Labcorp Genetics (formerly Invitae), Labcorp
Classification: Uncertain significance for Kufor-Rakeb syndrome; Autosomal recessive spastic paraplegia type 78. Last evaluated: 2021-07-08. Review status: criteria provided, single submitter. Criteria: Invitae Variant Classification Sherloc (09022015). Collection method: clinical testing. Allele origin: germline.
Comment: This sequence change replaces proline with serine at codon 121 of the ATP13A2 protein (p.Pro121Ser). The proline residue is weakly conserved and there is a moderate physicochemical difference between proline and serine. This variant is not present in population databases (ExAC no frequency). This variant has not been reported in the literature in individuals affected with ATP13A2-related conditions. Advanced modeling of protein sequence and biophysical properties (such as structural, functional, and spatial information, amino acid conservation, physicochemical variation, residue mobility, and thermodynamic stability) performed at Invitae indicates that this missense variant is not expected to disrupt ATP13A2 protein function. In summary, the available evidence is currently insufficient to determine the role of this variant in disease. Therefore, it has been classified as a Variant of Uncertain Significance.